The following is an entry in ClinVar:

ClinVar aggregate classification (germline): Benign (1 of 4 stars; one submission).

Conditions:
Biotin-responsive basal ganglia disease (BTBGD). Also called: Thiamine Transporter-2 Deficiency; THIAMINE METABOLISM DYSFUNCTION SYNDROME 2 (BIOTIN- AND THIAMINE-RESPONSIVE TYPE); Thiamine metabolism dysfunction syndrome type 2; thiamine-responsive encephalopathy; Thiamine metabolism dysfunction syndrome 2 (biotin- or thiamine-responsive encephalopathy type 2). Identifiers: Orphanet 199348, Orphanet 65284, MedGen C1843807, MONDO:0011841, OMIM 607483.

Allele frequency attached by ClinVar (database versions not stated): gnomAD below 0.00001 and 0.00059; TOPMed 0.00009; 1000 Genomes Project 30x 0.00297; 1000 Genomes Project 0.00339.
gnomAD v4.1: 1,223 of 1,105,530 alleles (0.11%); highest among the groups gnomAD compares: South Asian, 1.8%; 22 homozygotes.

Submission:

Illumina Laboratory Services, Illumina
Classification: Benign for Biotin-responsive basal ganglia disease. Last evaluated: 2018-01-13. Review status: criteria provided, single submitter. Criteria: ICSL Variant Classification Criteria 13 December 2019. Collection method: clinical testing. Allele origin: germline.
Comment: This variant was observed in the ICSL laboratory as part of a predisposition screen in an ostensibly healthy population. It had not been previously curated by ICSL or reported in the Human Gene Mutation Database (HGMD: prior to June 1st, 2018), and was therefore a candidate for classification through an automated scoring system. Utilizing variant allele frequency, disease prevalence and penetrance estimates, and inheritance mode, an automated score was calculated to assess if this variant is too frequent to cause the disease. Based on the score and internal cut-off values, a variant classified as benign is not then subjected to further curation. The score for this variant resulted in a classification of benign for this disease.

NM_025243.4(SLC19A3):c.*115C>G

Gene: SLC19A3 (solute carrier family 19 member 3; minus strand). Cytogenetic location: 2q36.3.
Variant type: single nucleotide variant.
Coding change: c.*115C>G on transcript NM_025243.4 (MANE Select); 115 bases downstream of the stop codon, C replaced by G.
Molecular consequence: 3 prime UTR variant.
Genome position (GRCh38, 1-based): chr2:227,687,282, G>C on the plus strand (C>G on the coding strand, the complement: SLC19A3 is on the minus strand). VCF-style: chr2-227687282-G-C. GRCh37 (hg19) VCF-style: chr2-228551998-G-C.
Other names: c.*115C>G (NM_001371411.1, NM_001371412.1, NM_001371413.1 and 1 more transcripts).
Identifiers: ClinVar variation 896656 (VCV000896656.4), dbSNP rs549546166, ClinGen allele CA66655196.
Genomic context (GRCh38, chr2:227,687,282, plus strand): 5'-TGGTCACATAGAGAACTCATCTAAAACTGAGGTTTTGTTGTGGTTTTGAAAGGTCCATTG[G>C]AATCCAGATTTGCAAAGCATGTCAAGTTATGGCAAAACATATGCCACCCATCTCAAAATC-3'